The following is an entry in ClinVar:

ClinVar aggregate classification (germline): Uncertain significance (1 of 4 stars; one submission).

Conditions:
Autosomal recessive osteopetrosis 2. Also called: OSTEOPETROSIS, MILD AUTOSOMAL RECESSIVE FORM. Identifiers: Orphanet 667, MedGen C1850126, MONDO:0009816, OMIM 259710.

Allele frequency attached by ClinVar (database versions not stated): gnomAD 0.00001.
gnomAD v4.1: 6 of 1,553,022 alleles (0.00039%); highest among the groups gnomAD compares: African/African-American, 0.0014%; no homozygotes.

Submission:

Labcorp Genetics (formerly Invitae), Labcorp
Classification: Uncertain significance. Last evaluated: 2022-06-27. Review status: criteria provided, single submitter. Criteria: Invitae Variant Classification Sherloc (09022015). Collection method: clinical testing. Allele origin: germline.
Comment: Algorithms developed to predict the effect of missense changes on protein structure and function (SIFT, PolyPhen-2, Align-GVGD) all suggest that this variant is likely to be tolerated. This variant has not been reported in the literature in individuals affected with TNFSF11-related conditions. This variant is not present in population databases (gnomAD no frequency). This sequence change replaces histidine, which is basic and polar, with leucine, which is neutral and non-polar, at codon 31 of the TNFSF11 protein (p.His31Leu). In summary, the available evidence is currently insufficient to determine the role of this variant in disease. Therefore, it has been classified as a Variant of Uncertain Significance.

NM_003701.4(TNFSF11):c.92A>T (p.His31Leu)

Genes: TNFSF11 (TNF superfamily member 11; plus strand), LOC130009662 (ATAC-STARR-seq lymphoblastoid silent region 5301; plus strand). Cytogenetic location: 13q14.11.
Variant type: single nucleotide variant.
Coding change: c.92A>T on transcript NM_003701.4 (MANE Select); coding-DNA position 92, A replaced by T.
Protein change: p.His31Leu; replaces histidine 31 with leucine.
Molecular consequence: missense variant. On other transcripts: intron variant (1).
Genome position (GRCh38, 1-based): chr13:42,574,395, A>T. VCF-style: chr13-42574395-A-T. GRCh37 (hg19) VCF-style: chr13-43148531-A-T.
Other names: c.-1+2657A>T (NM_033012.4); c.92A>T (NM_003701.3); short protein forms H31L.
Identifiers: ClinVar variation 1474050 (VCV001474050.8), dbSNP rs1471498841, ClinGen allele CA388214493.